The following is an entry in ClinVar:

ClinVar aggregate classification (germline): Benign (1 of 4 stars; one submission).

Conditions:
Fanconi anemia complementation group F. Also called: FANCF-Related Fanconi Anemia. Identifiers: Orphanet 84, MedGen C3469526, MONDO:0011325, OMIM 603467.

Allele frequency attached by ClinVar (database versions not stated): gnomAD 0.03790 and 0.03856; TOPMed 0.03998; 1000 Genomes Project 30x 0.04622; 1000 Genomes Project 0.04692; gnomAD exomes 0.02959.
gnomAD v4.1: 7,259 of 205,596 alleles (3.5%); highest among the groups gnomAD compares: East Asian, 8.7%; 209 homozygotes.

Submission:

Illumina Laboratory Services, Illumina
Classification: Benign for Fanconi anemia complementation group F. Last evaluated: 2018-01-12. Review status: criteria provided, single submitter. Criteria: ICSL Variant Classification Criteria 13 December 2019. Collection method: clinical testing. Allele origin: germline.
Comment: This variant was observed in the ICSL laboratory as part of a predisposition screen in an ostensibly healthy population. It had not been previously curated by ICSL or reported in the Human Gene Mutation Database (HGMD: prior to June 1st, 2018), and was therefore a candidate for classification through an automated scoring system. Utilizing variant allele frequency, disease prevalence and penetrance estimates, and inheritance mode, an automated score was calculated to assess if this variant is too frequent to cause the disease. Based on the score and internal cut-off values, a variant classified as benign is not then subjected to further curation. The score for this variant resulted in a classification of benign for this disease.

NM_022725.4(FANCF):c.*1629C>T

Gene: FANCF (FA complementation group F; minus strand). Cytogenetic location: 11p14.3.
Variant type: single nucleotide variant.
Coding change: c.*1629C>T on transcript NM_022725.4 (MANE Select); 1629 bases downstream of the stop codon, C replaced by T.
Molecular consequence: 3 prime UTR variant.
Genome position (GRCh38, 1-based): chr11:22,623,057, G>A on the plus strand (C>T on the coding strand, the complement: FANCF is on the minus strand). VCF-style: chr11-22623057-G-A. GRCh37 (hg19) VCF-style: chr11-22644603-G-A.
Identifiers: ClinVar variation 304177 (VCV000304177.5), dbSNP rs10500938, ClinGen allele CA10630666.
Genomic context (GRCh38, chr11:22,623,057, plus strand): 5'-TAACATTAGGCCTTGCTATGGTAGAACTCTTCACTGGGTTGTTTCTTAAAAAAAATTCAC[G>A]CAACTGACAGGAGGAATTGTCTTTATTCTTGCATTAATGATAAATGTAATCTACAAGATG-3'